The following is an entry in ClinVar:

ClinVar aggregate classification (germline): Benign/Likely benign. Review status: criteria provided, multiple submitters, no conflicts (2 of 4 stars). 7 submissions from 7 submitters: Benign (1); Likely benign (4). 2 of the submissions do not count toward it. Last evaluated 2026-09-01.

Conditions:
Developmental and epileptic encephalopathy, 1 (DEE1). Also called: X-linked infantile spasms; West's syndrome; Tonic spasms with clustering, arrest of psychomotor development and hypsarrhythmia on EEG; X-Linked Infantile Spasm Syndrome; OHTAHARA SYNDROME, X-LINKED; INFANTILE SPASM SYNDROME, X-LINKED 1. Identifiers: MedGen C3463992, MONDO:0010632, OMIM 308350. Disease mechanism: loss of function.
Autosomal recessive spinocerebellar ataxia 12. Also called: SPINOCEREBELLAR ATAXIA WITH MENTAL RETARDATION AND EPILEPSY. Identifiers: Orphanet 284282, MedGen C3280452, MONDO:0013687, OMIM 614322.

Allele frequency attached by ClinVar (database versions not stated): 1000 Genomes Project 30x 0.00016; TOPMed 0.00104; gnomAD exomes 0.00119 and 0.00171; gnomAD 0.00121 and 0.00128; ESP Exome Variant Server 0.00128; ExAC 0.00134.
gnomAD v4.1: 2,659 of 1,614,150 alleles (0.16%); highest among the groups gnomAD compares: Non-Finnish European, 0.21%; 4 homozygotes.

Submissions (7):

CeGaT Center for Human Genetics Tuebingen
Classification: Likely benign. Last evaluated: 2026-09-01. Review status: criteria provided, single submitter. Criteria: CeGaT Center For Human Genetics Tuebingen Variant Classification Criteria Version 2. Collection method: clinical testing. Allele origin: germline. Affected: yes. Observed: 22 variant alleles.
Comment: WWOX: BP4, BP7

Labcorp Genetics (formerly Invitae), Labcorp
Classification: Likely benign for Developmental and epileptic encephalopathy, 1; Autosomal recessive spinocerebellar ataxia 12. Last evaluated: 2026-02-02. Review status: criteria provided, single submitter. Criteria: Invitae Variant Classification Sherloc (09022015). Collection method: clinical testing. Allele origin: germline.

Blueprint Genetics
Classification: Likely benign. Last evaluated: 2024-11-11. Review status: criteria provided, single submitter. Criteria: ACMG Guidelines, 2015. Collection method: clinical testing. Allele origin: germline.

Athena Diagnostics
Classification: Benign. Last evaluated: 2024-10-22. Review status: criteria provided, single submitter. Criteria: Athena Diagnostics Criteria. Collection method: clinical testing. Allele origin: unknown.

GeneDx
Classification: Likely benign. Last evaluated: 2020-09-17. Review status: criteria provided, single submitter. Criteria: GeneDx Variant Classification Process June 2021. Collection method: clinical testing. Allele origin: germline. Affected: yes.

Clinical Genetics DNA and cytogenetics Diagnostics Lab, Erasmus MC, Erasmus Medical Center
Classification: Likely benign. Review status: no assertion criteria provided. Collection method: clinical testing. Allele origin: germline. Affected: yes. Study: VKGL Data-share Consensus. Not counted in ClinVar's aggregate classification.

Genome Diagnostics Laboratory, University Medical Center Utrecht
Classification: Likely benign. Review status: no assertion criteria provided. Collection method: clinical testing. Allele origin: germline. Affected: yes. Study: VKGL Data-share Consensus. Not counted in ClinVar's aggregate classification.

NM_016373.4(WWOX):c.1035G>A (p.Ala345=)

Gene: WWOX (WW domain containing oxidoreductase; plus strand). Cytogenetic location: 16q23.1.
Variant type: single nucleotide variant.
Coding change: c.1035G>A on transcript NM_016373.4 (MANE Select); coding-DNA position 1035, G replaced by A.
Protein change: p.Ala345=; no amino-acid change (alanine 345 retained).
Molecular consequence: synonymous variant.
Genome position (GRCh38, 1-based): chr16:78,432,731, G>A. VCF-style: chr16-78432731-G-A. GRCh37 (hg19) VCF-style: chr16-78466628-G-A.
Other names: c.696G>A, p.Ala232= (NM_001291997.2).
Identifiers: ClinVar variation 382745 (VCV000382745.45), dbSNP rs189695070, ClinGen allele CA8183609.